The following is an entry in ClinVar:

ClinVar aggregate classification (germline): Conflicting classifications of pathogenicity. Review status: criteria provided, conflicting classifications (1 of 4 stars). 4 submissions from 4 submitters: Uncertain significance (3); Likely benign (1). Last evaluated 2026-07-01.

Conditions:
Inborn genetic diseases. Identifiers: MedGen C0950123, MeSH D030342.
MBD4-related disorder. Also called: MBD4-related condition.

Allele frequency attached by ClinVar (database versions not stated): gnomAD 0.00005; TOPMed 0.00012.

Submissions (4):

CeGaT Center for Human Genetics Tuebingen
Classification: Likely benign. Last evaluated: 2026-07-01. Review status: criteria provided, single submitter. Criteria: CeGaT Center For Human Genetics Tuebingen Variant Classification Criteria Version 2. Collection method: clinical testing. Allele origin: germline. Affected: yes. Observed: 1 variant allele.
Comment: MBD4: BP4

PreventionGenetics, part of Exact Sciences
Classification: Uncertain significance for MBD4-related condition. Last evaluated: 2026-03-04. Review status: criteria provided, single submitter. Criteria: ACMG Guidelines, 2015. Collection method: clinical testing. Allele origin: germline.
Comment: The MBD4 c.1553A>G variant is predicted to result in the amino acid substitution p.Lys518Arg. To our knowledge, this variant has not been reported in the literature. This variant is reported in 0.15% of alleles in individuals of Ashkenazi Jewish descent in gnomAD. This variant has an interpretation of uncertain significance in ClinVar (Variation ID: 1973471). At this time, the clinical significance of this variant is uncertain due to the absence of conclusive functional and genetic evidence.

Labcorp Genetics (formerly Invitae), Labcorp
Classification: Uncertain significance. Last evaluated: 2026-02-03. Review status: criteria provided, single submitter. Criteria: Invitae Variant Classification Sherloc (09022015). Collection method: clinical testing. Allele origin: germline.
Comment: This sequence change replaces lysine, which is basic and polar, with arginine, which is basic and polar, at codon 518 of the MBD4 protein (p.Lys518Arg). This variant is present in population databases (rs138445306, gnomAD 0.1%). This variant has not been reported in the literature in individuals affected with MBD4-related conditions. ClinVar contains an entry for this variant (Variation ID: 1973471). An algorithm developed to predict the effect of missense changes on protein structure and function outputs the following: PolyPhen-2: "Probably Damaging". The arginine amino acid residue is found in multiple mammalian species, which suggests that this missense change does not adversely affect protein function. In summary, the available evidence is currently insufficient to determine the role of this variant in disease. Therefore, it has been classified as a Variant of Uncertain Significance.

Ambry Genetics
Classification: Uncertain significance for Inborn genetic diseases. Last evaluated: 2024-12-09. Review status: criteria provided, single submitter. Criteria: Ambry Variant Classification Scheme 2023. Collection method: clinical testing. Allele origin: germline.
Comment: The p.K512R variant (also known as c.1535A>G), located in coding exon 6 of the MBD4 gene, results from an A to G substitution at nucleotide position 1535. The lysine at codon 512 is replaced by arginine, an amino acid with highly similar properties. This amino acid position is not well conserved in available vertebrate species. In addition, this alteration is predicted to be tolerated by in silico analysis. Based on the available evidence, the clinical significance of this variant remains unclear.

NM_001276270.2(MBD4):c.1535A>G (p.Lys512Arg)

Gene: MBD4 (methyl-CpG binding domain 4, DNA glycosylase; minus strand). Cytogenetic location: 3q21.3.
Variant type: single nucleotide variant.
Coding change: c.1535A>G on transcript NM_001276270.2 (MANE Select); coding-DNA position 1535, A replaced by G.
Protein change: p.Lys512Arg; replaces lysine 512 with arginine.
Molecular consequence: missense variant.
Genome position (GRCh38, 1-based): chr3:129,433,106, T>C on the plus strand (A>G on the coding strand, the complement: MBD4 is on the minus strand). VCF-style: chr3-129433106-T-C. GRCh37 (hg19) VCF-style: chr3-129151949-T-C.
Other names: c.1553A>G (NM_003925.2); c.1553A>G, p.Lys518Arg (NM_001276271.2, NM_001276272.2, NM_003925.3); c.599A>G, p.Lys200Arg (NM_001276273.2); short protein forms K200R, K512R, K518R.
Identifiers: ClinVar variation 1973471 (VCV001973471.8), dbSNP rs138445306, ClinGen allele CA2605276.